The following is an entry in ClinVar:

ClinVar aggregate classification (germline): Uncertain significance. Review status: criteria provided, multiple submitters, no conflicts (2 of 4 stars). 5 submissions from 5 submitters: Uncertain significance (4). 1 of the submissions does not count toward it. Last evaluated 2025-12-13.

Conditions:
Hereditary cancer-predisposing syndrome. Also called: Neoplastic Syndromes, Hereditary; Hereditary neoplastic syndrome; Hereditary Cancer Syndrome; Tumor predisposition. Identifiers: Orphanet 140162, MedGen C0027672, MeSH D009386, MONDO:0015356.
Familial cancer of breast. Also called: BREAST CANCER, FAMILIAL; hereditary breast carcinoma; Hereditary breast cancer. Identifiers: Orphanet 227535, MedGen C0346153, MONDO:0016419, OMIM 114480. Disease mechanism: loss of function.

gnomAD v4.1: 2 of 1,614,040 alleles (0.00012%); highest among the groups gnomAD compares: East Asian, 0.0022%; no homozygotes.

Submissions (5):

Ambry Genetics
Classification: Uncertain significance for Hereditary cancer-predisposing syndrome. Last evaluated: 2025-12-13. Review status: criteria provided, single submitter. Criteria: Ambry Variant Classification Scheme 2023. Collection method: clinical testing. Allele origin: germline.
Comment: The p.R411K variant (also known as c.1232G>A), located in coding exon 4 of the PALB2 gene, results from a G to A substitution at nucleotide position 1232. The arginine at codon 411 is replaced by lysine, an amino acid with highly similar properties. This alteration was not observed in 7,051 unselected female breast cancer patients and was observed with an allele frequency of 0.00009 in 11,241 female controls of Japanese ancestry (Momozawa Y et al. Nat Commun, 2018 Oct;9:4083). This amino acid position is highly conserved in available vertebrate species. In addition, the in silico prediction for this alteration is inconclusive. Since supporting evidence is limited at this time, the clinical significance of this alteration remains unclear.

Labcorp Genetics (formerly Invitae), Labcorp
Classification: Uncertain significance for Familial cancer of breast. Last evaluated: 2025-11-10. Review status: criteria provided, single submitter. Criteria: Invitae Variant Classification Sherloc (09022015). Collection method: clinical testing. Allele origin: germline.
Comment: This sequence change replaces arginine, which is basic and polar, with lysine, which is basic and polar, at codon 411 of the PALB2 protein (p.Arg411Lys). This variant is not present in population databases (gnomAD no frequency). This variant has not been reported in the literature in individuals affected with PALB2-related conditions. This missense change has been observed to co-occur in individuals with a different variant in PALB2 that has been determined to be pathogenic (internal data), but the significance of this finding is unclear. ClinVar contains an entry for this variant (Variation ID: 449868). Invitae Evidence Modeling of protein sequence and biophysical properties (such as structural, functional, and spatial information, amino acid conservation, physicochemical variation, residue mobility, and thermodynamic stability) indicates that this missense variant is expected to disrupt PALB2 protein function with a positive predictive value of 80%. In summary, the available evidence is currently insufficient to determine the role of this variant in disease. Therefore, it has been classified as a Variant of Uncertain Significance.

Color Diagnostics, LLC DBA Color Health
Classification: Uncertain significance for Hereditary cancer-predisposing syndrome. Last evaluated: 2023-11-13. Review status: criteria provided, single submitter. Criteria: ACMG Guidelines, 2015. Collection method: clinical testing. Allele origin: germline.
Comment: This missense variant replaces arginine with lysine at codon 411 of the PALB2 protein. Computational prediction suggests that this variant may not impact protein structure and function. To our knowledge, functional studies have not been reported for this variant. This variant has been reported in a breast cancer and a pancreatic cancer case-control study, in which this variant was absent in 7051 breast cancer cases and 1005 pancreatic cancer cases, but it was detected in 1/11241 and 1/23705 unaffected individuals, respectively (PMID: 30287823, 32980694). This variant has not been identified in the general population by the Genome Aggregation Database (gnomAD). The available evidence is insufficient to determine the role of this variant in disease conclusively. Therefore, this variant is classified as a Variant of Uncertain Significance.

GeneDx
Classification: Uncertain significance. Last evaluated: 2017-03-06. Review status: criteria provided, single submitter. Criteria: GeneDx Variant Classification (06012015). Collection method: clinical testing. Allele origin: germline. Affected: yes.
Comment: This variant is denoted PALB2 c.1232G>A at the cDNA level, p.Arg411Lys (R411K) at the protein level, and results in the change of an Arginine to a Lysine (AGA>AAA). This variant has not, to our knowledge, been published in the literature as pathogenic or benign. PALB2 Arg411Lys was not observed in large population cohorts (NHLBI Exome Sequencing Project, The 1000 Genomes Consortium 2015, Lek 2016). Since Arginine and Lysine share similar properties, this is considered a conservative amino acid substitution. PALB2 Arg411Lys occurs at a position that is conserved across species and is located within the DNA binding domain and the Chromatin-association motif (ChAM) (UniProt). In silico analyses are inconsistent regarding the effect this variant may have on protein structure and function. Based on currently available evidence, it is unclear whether PALB2 Arg411Lys is a pathogenic or benign variant. We consider it to be a variant of uncertain significance.

Leiden Open Variation Database
Classification: Uncertain significance. Last evaluated: 2018-10-10. Review status: no assertion criteria provided. Collection method: curation. Allele origin: germline. Affected: yes. Not counted in ClinVar's aggregate classification.
Comment: Curators: Marc Tischkowitz, Arleen D. Auerbach. Submitter to LOVD: Yukihide Momozawa.

Literature cited by the submitters: PubMed 30287823 (cited by 3 submitters); PubMed 32980694 (cited by Color Diagnostics, LLC DBA Color Health).

NM_024675.4(PALB2):c.1232G>A (p.Arg411Lys)

Gene: PALB2 (partner and localizer of BRCA2; minus strand). Cytogenetic location: 16p12.2.
Variant type: single nucleotide variant.
Coding change: c.1232G>A on transcript NM_024675.4 (MANE Select); coding-DNA position 1232, G replaced by A.
Protein change: p.Arg411Lys; replaces arginine 411 with lysine.
Molecular consequence: missense variant.
Genome position (GRCh38, 1-based): chr16:23,635,314, C>T on the plus strand (G>A on the coding strand, the complement: PALB2 is on the minus strand). VCF-style: chr16-23635314-C-T. GRCh37 (hg19) VCF-style: chr16-23646635-C-T.
Other names: short protein forms R411K.
Identifiers: ClinVar variation 449868 (VCV000449868.16), dbSNP rs926278722, ClinGen allele CA279498662.